The following is an entry in ClinVar:

NM_000208.4(INSR):c.3465T>C (p.Phe1155=)

Gene: INSR (insulin receptor; minus strand). Cytogenetic location: 19p13.2.
Variant type: single nucleotide variant.
Coding change: c.3465T>C on transcript NM_000208.4 (MANE Select); coding-DNA position 3465, T replaced by C.
Protein change: p.Phe1155=; no amino-acid change (phenylalanine 1155 retained).
Molecular consequence: synonymous variant.
Genome position (GRCh38, 1-based): chr19:7,122,678, A>G on the plus strand (T>C on the coding strand, the complement: INSR is on the minus strand). VCF-style: chr19-7122678-A-G. GRCh37 (hg19) VCF-style: chr19-7122689-A-G.
Other names: c.3465T>C (NM_000208.3); c.3429T>C, p.Phe1143= (NM_001079817.3).
Identifiers: ClinVar variation 2919737 (VCV002919737.5), dbSNP rs573108033, ClinGen allele CA9135245.

ClinVar aggregate classification (germline): Likely benign. Review status: criteria provided, single submitter (1 of 4 stars). 2 submissions from 2 submitters: Likely benign (1). 1 of the submissions does not count toward it. Last evaluated 2023-03-01.

Conditions:
INSR-related disorder.

Allele frequency attached by ClinVar (database versions not stated): gnomAD 0.00001; 1000 Genomes Project 0.00020; gnomAD exomes 0.00001; ExAC 0.00003; 1000 Genomes Project 30x 0.00016.
gnomAD v4.1: 25 of 1,614,180 alleles (0.0015%); highest among the groups gnomAD compares: South Asian, 0.025%; no homozygotes.

Submissions (2):

Labcorp Genetics (formerly Invitae), Labcorp
Classification: Likely benign. Last evaluated: 2023-03-01. Review status: criteria provided, single submitter. Criteria: Invitae Variant Classification Sherloc (09022015). Collection method: clinical testing. Allele origin: germline.

PreventionGenetics, part of Exact Sciences
Classification: Likely benign for INSR-related condition. Last evaluated: 2019-05-20. Review status: no assertion criteria provided. Collection method: clinical testing. Allele origin: germline. Not counted in ClinVar's aggregate classification.
Comment: This variant is classified as likely benign based on ACMG/AMP sequence variant interpretation guidelines (Richards et al. 2015 PMID: 25741868, with internal and published modifications).